The following is an entry in ClinVar:

ClinVar aggregate classification (germline): Uncertain significance (1 of 4 stars; one submission).

Conditions:
Lymphoproliferative syndrome 1 (LPFS1). Identifiers: Orphanet 238505, Orphanet 538963, MedGen C3552634, MONDO:0013081, OMIM 613011.

Allele frequency attached by ClinVar (database versions not stated): ExAC 0.00001; gnomAD exomes 0.00001.
gnomAD v4.1: 21 of 1,613,838 alleles (0.0013%); highest among the groups gnomAD compares: South Asian, 0.012%; no homozygotes.

Submission:

Labcorp Genetics (formerly Invitae), Labcorp
Classification: Uncertain significance for Lymphoproliferative syndrome 1. Last evaluated: 2024-03-01. Review status: criteria provided, single submitter. Criteria: Invitae Variant Classification Sherloc (09022015). Collection method: clinical testing. Allele origin: germline.
Comment: This sequence change replaces valine, which is neutral and non-polar, with isoleucine, which is neutral and non-polar, at codon 264 of the ITK protein (p.Val264Ile). This variant is present in population databases (rs753847568, gnomAD 0.006%). This variant has not been reported in the literature in individuals affected with ITK-related conditions. ClinVar contains an entry for this variant (Variation ID: 861874). Advanced modeling of protein sequence and biophysical properties (such as structural, functional, and spatial information, amino acid conservation, physicochemical variation, residue mobility, and thermodynamic stability) performed at Invitae indicates that this missense variant is not expected to disrupt ITK protein function with a negative predictive value of 80%. In summary, the available evidence is currently insufficient to determine the role of this variant in disease. Therefore, it has been classified as a Variant of Uncertain Significance.

NM_005546.4(ITK):c.790G>A (p.Val264Ile)

Gene: ITK (IL2 inducible T cell kinase; plus strand). Cytogenetic location: 5q33.3.
Variant type: single nucleotide variant.
Coding change: c.790G>A on transcript NM_005546.4 (MANE Select); coding-DNA position 790, G replaced by A.
Protein change: p.Val264Ile; replaces valine 264 with isoleucine.
Molecular consequence: missense variant.
Genome position (GRCh38, 1-based): chr5:157,238,130, G>A. VCF-style: chr5-157238130-G-A. GRCh37 (hg19) VCF-style: chr5-156665140-G-A.
Other names: short protein forms V264I.
Identifiers: ClinVar variation 861874 (VCV000861874.3), dbSNP rs753847568, ClinGen allele CA3532901.
Genomic context (GRCh38, chr5:157,238,130, plus strand): 5'-CTGAGATCACTAACTTTCCATTCTTTCTAACCATTCCAGGGCAAAGAAGGAGCCTTCATG[G>A]TAAGGGATTCCAGGACTGCAGGAACATACACCGTGTCTGTTTTCACCAAGGCTGTTGTAA-3'
Protein context (NP_005537.3, residues 254-274): LDTGKEGAFM[Val264Ile]RDSRTAGTYT